The following is an entry in ClinVar:

ClinVar aggregate classification (germline): Uncertain significance. Review status: criteria provided, multiple submitters, no conflicts (2 of 4 stars). 2 submissions from 2 submitters: Uncertain significance (2). Last evaluated 2025-08-12.

Conditions:
Cardiovascular phenotype. Identifiers: MedGen CN230736.

Allele frequency attached by ClinVar (database versions not stated): TOPMed below 0.00001; gnomAD 0.00001.

Submissions (2):

Labcorp Genetics (formerly Invitae), Labcorp
Classification: Uncertain significance. Last evaluated: 2025-08-12. Review status: criteria provided, single submitter. Criteria: Invitae Variant Classification Sherloc (09022015). Collection method: clinical testing. Allele origin: germline.
Comment: This sequence change replaces glycine, which is neutral and non-polar, with arginine, which is basic and polar, at codon 711 of the ALPK3 protein (p.Gly711Arg). This variant is not present in population databases (gnomAD no frequency). This variant has not been reported in the literature in individuals affected with ALPK3-related conditions. ClinVar contains an entry for this variant (Variation ID: 1786413). Invitae Evidence Modeling of protein sequence and biophysical properties (such as structural, functional, and spatial information, amino acid conservation, physicochemical variation, residue mobility, and thermodynamic stability) indicates that this missense variant is not expected to disrupt ALPK3 protein function with a negative predictive value of 80%. In summary, the available evidence is currently insufficient to determine the role of this variant in disease. Therefore, it has been classified as a Variant of Uncertain Significance.

Ambry Genetics
Classification: Uncertain significance for Cardiovascular phenotype. Last evaluated: 2022-02-14. Review status: criteria provided, single submitter. Criteria: Ambry Variant Classification Scheme 2023. Collection method: clinical testing. Allele origin: germline.
Comment: The p.G711R variant (also known as c.2131G>A), located in coding exon 5 of the ALPK3 gene, results from a G to A substitution at nucleotide position 2131. The glycine at codon 711 is replaced by arginine, an amino acid with dissimilar properties. This amino acid position is conserved. In addition, this alteration is predicted to be tolerated by in silico analysis. Since supporting evidence is limited at this time, the clinical significance of this alteration remains unclear.

NM_020778.5(ALPK3):c.1525G>A (p.Gly509Arg)

Genes: ALPK3 (alpha kinase 3; plus strand), LOC111718493 (skeletal muscle cis-regulatory module overlapping ALPK3; plus strand). Cytogenetic location: 15q25.3.
Variant type: single nucleotide variant.
Coding change: c.1525G>A on transcript NM_020778.5 (MANE Select); coding-DNA position 1525, G replaced by A.
Protein change: p.Gly509Arg; replaces glycine 509 with arginine.
Molecular consequence: missense variant.
Genome position (GRCh38, 1-based): chr15:84,840,804, G>A. VCF-style: chr15-84840804-G-A. GRCh37 (hg19) VCF-style: chr15-85384035-G-A.
Other names: short protein forms G509R.
Identifiers: ClinVar variation 1786413 (VCV001786413.3), dbSNP rs1963654900, ClinGen allele CA393375809.